The following is an entry in ClinVar:

ClinVar aggregate classification (germline): Uncertain significance. Review status: criteria provided, multiple submitters, no conflicts (2 of 4 stars). 2 submissions from 2 submitters: Uncertain significance (2). Last evaluated 2026-04-18.

Conditions:
Cardiomyopathy (CMYO). Also called: Cardiomyopathies. Identifiers: Orphanet 167848, MedGen C0878544, MONDO:0004994, HP:0001638. Inheritance: Various modes of inheritance.

Allele frequency attached by ClinVar (database versions not stated): TOPMed below 0.00001; gnomAD exomes below 0.00001.

Submissions (2):

GeneDx
Classification: Uncertain significance. Last evaluated: 2026-04-18. Review status: criteria provided, single submitter. Criteria: GeneDx Variant Classification Process June 2021. Collection method: clinical testing. Allele origin: germline.
Comment: Not observed at significant frequency in large population cohorts (gnomAD); In silico analysis supports that this missense variant has a deleterious effect on protein structure/function; Has not been previously published as pathogenic or benign to our knowledge.

All of Us Research Program, National Institutes of Health
Classification: Uncertain significance for Cardiomyopathy. Last evaluated: 2023-05-04. Review status: criteria provided, single submitter. Criteria: ACMG Guidelines, 2015. Collection method: clinical testing. Allele origin: germline. Inheritance: Autosomal dominant inheritance. Observed: 1 variant allele, 1 heterozygote.
Comment: This missense variant replaces arginine with tryptophan at codon 1699 of the MYH7 protein. Computational prediction suggests that this variant may have a deleterious impact on protein structure and function (internally defined REVEL score threshold >= 0.7, PMID: 27666373). To our knowledge, functional studies have not been reported for this variant. This variant has not been reported in individuals affected with MYH7-related disorders in the literature. This variant has not been identified in the general population by the Genome Aggregation Database (gnomAD). The available evidence is insufficient to determine the role of this variant in disease conclusively. Therefore, this variant is classified as a Variant of Uncertain Significance.

This study involves interpretation of variants in research participants for the purpose of population health screening. Participant phenotype was not available at the time of variant classification. Additional details can be found in publication PMID: 35346344, PMCID: PMC8962531

NM_000257.4(MYH7):c.5095C>T (p.Arg1699Trp)

Genes: MHRT (myosin heavy chain associated RNA transcript; plus strand), MYH7 (myosin heavy chain 7; minus strand), LOC126861897 (BRD4-independent group 4 enhancer GRCh37_chr14:23884455-23885654; plus strand). Cytogenetic location: 14q11.2.
Variant type: single nucleotide variant.
Coding change: c.5095C>T on transcript NM_000257.4 (MANE Select); coding-DNA position 5095, C replaced by T.
Protein change: p.Arg1699Trp; replaces arginine 1699 with tryptophan.
Molecular consequence: missense variant. On other transcripts: non-coding transcript variant (1).
Genome position (GRCh38, 1-based): chr14:23,415,691, G>A on the plus strand (C>T on the coding strand, the complement: MYH7 is on the minus strand). VCF-style: chr14-23415691-G-A. GRCh37 (hg19) VCF-style: chr14-23884900-G-A.
Other names: c.5095C>T, p.Arg1699Trp (NM_001407004.1); short protein forms R1699W.
Identifiers: ClinVar variation 3070822 (VCV003070822.2), dbSNP rs1297199116, ClinGen allele CA389036972.
Genomic context (GRCh38, chr14:23,415,691, plus strand): 5'-GGGAATGCAGCAGCTGCACCCGCTCACTAGTCTCAATCAGCTCCTGCTCCGCCAGCTTCC[G>A]GGACCGCTCTGTCTGCTCCACCACGGCACGCAACTCCTCCAGCTCAGCCTGCAGCAGGTT-3'
Protein context (NP_000248.2, residues 1689-1709): RAVVEQTERS[Arg1699Trp]KLAEQELIET